The following is an entry in ClinVar:

NM_000238.4(KCNH2):c.2026C>T (p.Gln676Ter)

Gene: KCNH2 (potassium voltage-gated channel subfamily H member 2; minus strand). Cytogenetic location: 7q36.1.
Variant type: single nucleotide variant.
Coding change: c.2026C>T on transcript NM_000238.4 (MANE Select); coding-DNA position 2026, C replaced by T.
Protein change: p.Gln676Ter; replaces glutamine 676 with a stop codon.
Molecular consequence: nonsense.
Genome position (GRCh38, 1-based): chr7:150,951,040, G>A on the plus strand (C>T on the coding strand, the complement: KCNH2 is on the minus strand). VCF-style: chr7-150951040-G-A. GRCh37 (hg19) VCF-style: chr7-150648128-G-A.
Other names: p.Q676*:CAG>TAG; c.1006C>T, p.Gln336Ter (NM_001204798.2, NM_172057.3); c.1738C>T, p.Gln580Ter (NM_001406753.1, NM_001406756.1); c.1849C>T, p.Gln617Ter (NM_001406755.1); c.1726C>T, p.Gln576Ter (NM_001406757.1); c.2026C>T, p.Gln676Ter (NM_172056.3); short protein forms Q336*, Q676*, Q580*, Q617*, Q576*.
Identifiers: ClinVar variation 200405 (VCV000200405.11), dbSNP rs794728381, ClinGen allele CA006157.

ClinVar aggregate classification (germline): Pathogenic. Review status: criteria provided, multiple submitters, no conflicts (2 of 4 stars). 2 submissions from 2 submitters: Pathogenic (2). Last evaluated 2024-03-03.

Conditions:
Long QT syndrome (LQTS). Identifiers: MedGen C0023976, MeSH D008133, MONDO:0002442. Disease mechanism: loss of function. Inheritance: Various modes of inheritance.

Allele frequency attached by ClinVar (database versions not stated): gnomAD exomes below 0.00001.
gnomAD v4.1: 1 of 1,614,194 alleles (0.000062%); highest among the groups gnomAD compares: Non-Finnish European, 0.000085%; no homozygotes.

Submissions (2):

Labcorp Genetics (formerly Invitae), Labcorp
Classification: Pathogenic for Long QT syndrome. Last evaluated: 2024-03-03. Review status: criteria provided, single submitter. Criteria: Invitae Variant Classification Sherloc (09022015). Collection method: clinical testing. Allele origin: germline.
Comment: This sequence change creates a premature translational stop signal (p.Gln676*) in the KCNH2 gene. It is expected to result in an absent or disrupted protein product. Loss-of-function variants in KCNH2 are known to be pathogenic (PMID: 10973849, 19862833). This variant is not present in population databases (gnomAD no frequency). This premature translational stop signal has been observed in individual(s) with long QT syndrome (PMID: 26669661). ClinVar contains an entry for this variant (Variation ID: 200405). For these reasons, this variant has been classified as Pathogenic.

GeneDx
Classification: Pathogenic. Last evaluated: 2023-01-30. Review status: criteria provided, single submitter. Criteria: GeneDx Variant Classification Process June 2021. Collection method: clinical testing. Allele origin: germline. Affected: yes.
Comment: Identified in several individuals from one family with Long QT syndrome (Itoh et al., 2016); Not observed at significant frequency in large population cohorts (gnomAD); Nonsense variant predicted to result in protein truncation or nonsense mediated decay in a gene for which loss-of-function is a known mechanism of disease; This variant is associated with the following publications: (PMID: 26669661)

Literature cited by the submitters: PubMed 10973849 (cited by Labcorp Genetics (formerly Invitae), Labcorp); PubMed 19862833 (cited by Labcorp Genetics (formerly Invitae), Labcorp); PubMed 26669661 (cited by Labcorp Genetics (formerly Invitae), Labcorp).